The following is an entry in ClinVar:

ClinVar aggregate classification (germline): Uncertain significance. Review status: criteria provided, multiple submitters, no conflicts (2 of 4 stars). 2 submissions from 2 submitters: Uncertain significance (2). Last evaluated 2026-06-29.

Conditions:
Joubert syndrome 1 (JBTS1). Also called: Cerebellooculorenal syndrome 1; CEREBELLOPARENCHYMAL DISORDER IV. Identifiers: MedGen C4551568, MONDO:0008944, OMIM 213300.
MORM syndrome (MORMS). Identifiers: Orphanet 75858, MedGen C1857802, MONDO:0012423, OMIM 610156.
INPP5E-related disorder. Also called: INPP5E-related condition.

Submissions (2):

PreventionGenetics, part of Exact Sciences
Classification: Uncertain significance for INPP5E-related condition. Last evaluated: 2026-06-29. Review status: criteria provided, single submitter. Criteria: ACMG Guidelines, 2015. Collection method: clinical testing. Allele origin: germline.
Comment: The INPP5E c.1322G>C variant is predicted to result in the amino acid substitution p.Arg441Thr. To our knowledge, this variant has not been reported in the literature or in a large population database (gnomAD), indicating this variant is rare. At this time, the clinical significance of this variant is uncertain due to the absence of conclusive functional and genetic evidence.

Fulgent Genetics
Classification: Uncertain significance for Joubert syndrome 1; MORM syndrome. Last evaluated: 2024-05-07. Review status: criteria provided, single submitter. Criteria: ACMG Guidelines, 2015. Collection method: clinical testing. Allele origin: germline.

NM_019892.6(INPP5E):c.1322G>C (p.Arg441Thr)

Gene: INPP5E (inositol polyphosphate-5-phosphatase E; minus strand). Cytogenetic location: 9q34.3.
Variant type: single nucleotide variant.
Coding change: c.1322G>C on transcript NM_019892.6 (MANE Select); coding-DNA position 1322, G replaced by C.
Protein change: p.Arg441Thr; replaces arginine 441 with threonine.
Molecular consequence: missense variant.
Genome position (GRCh38, 1-based): chr9:136,432,544, C>G on the plus strand (G>C on the coding strand, the complement: INPP5E is on the minus strand). VCF-style: chr9-136432544-C-G. GRCh37 (hg19) VCF-style: chr9-139326996-C-G.
Other names: c.1319G>C, p.Arg440Thr (NM_001318502.2); c.1322G>C (NM_019892.5); short protein forms R441T, R440T.
Identifiers: ClinVar variation 3596775 (VCV003596775.2).